The following is an entry in ClinVar:

ClinVar aggregate classification (germline): Uncertain significance (1 of 4 stars; one submission).

Conditions:
Charcot-Marie-Tooth disease axonal type 2Z. Also called: CHARCOT-MARIE-TOOTH DISEASE, AXONAL, AUTOSOMAL DOMINANT, TYPE 2Z; CHARCOT-MARIE-TOOTH NEUROPATHY, TYPE 2Z. Identifiers: Orphanet 466768, MedGen C5569025, MONDO:0014736, OMIM 616688.

Allele frequency attached by ClinVar (database versions not stated): gnomAD 0.00003; TOPMed 0.00003.
gnomAD v4.1: 8 of 1,543,656 alleles (0.00052%); highest among the groups gnomAD compares: African/African-American, 0.011%; no homozygotes.

Submission:

Labcorp Genetics (formerly Invitae), Labcorp
Classification: Uncertain significance for Charcot-Marie-Tooth disease axonal type 2Z. Last evaluated: 2022-11-01. Review status: criteria provided, single submitter. Criteria: Invitae Variant Classification Sherloc (09022015). Collection method: clinical testing. Allele origin: germline.
Comment: This variant is present in population databases (no rsID available, gnomAD 0.01%). In summary, the available evidence is currently insufficient to determine the role of this variant in disease. Therefore, it has been classified as a Variant of Uncertain Significance. Variants that disrupt the consensus splice site are a relatively common cause of aberrant splicing (PMID: 17576681, 9536098). Algorithms developed to predict the effect of sequence changes on RNA splicing suggest that this variant is not likely to affect RNA splicing. This variant has not been reported in the literature in individuals affected with MORC2-related conditions. This sequence change falls in intron 2 of the MORC2 gene. It does not directly change the encoded amino acid sequence of the MORC2 protein. It affects a nucleotide within the consensus splice site.

Literature cited by the submitters: PubMed 17576681; PubMed 9536098.

NM_001303256.3(MORC2):c.123-3C>T

Gene: MORC2 (MORC family CW-type zinc finger 2; minus strand). Cytogenetic location: 22q12.2.
Variant type: single nucleotide variant.
Coding change: c.123-3C>T on transcript NM_001303256.3 (MANE Select); 3 bases into the intron before coding-DNA position 123, C replaced by T.
Molecular consequence: intron variant.
Genome position (GRCh38, 1-based): chr22:30,956,800, G>A on the plus strand (C>T on the coding strand, the complement: MORC2 is on the minus strand). VCF-style: chr22-30956800-G-A. GRCh37 (hg19) VCF-style: chr22-31352786-G-A.
Other names: c.123-3C>T (NM_001303257.2); c.-64-3C>T (NM_014941.3).
Identifiers: ClinVar variation 2143897 (VCV002143897.4), dbSNP rs1002764597, ClinGen allele CA323625590.
Genomic context (GRCh38, chr22:30,956,800, plus strand): 5'-AGAAGGACTAAAGCCTGACTTACCTGCATAAATATCTATTCTGGTGGCATCAGCATCTCT[G>A]CAAAGTGAAAAGAAAAGAATCATGTGAATTAATATGAAATATCAACCATCAAAATGCATA-3'